The following is an entry in ClinVar:

ClinVar aggregate classification (germline): Uncertain significance (1 of 4 stars; one submission).

Conditions:
Von Hippel-Lindau syndrome (VHLS). Also called: Von Hippel-Lindau; von Hippel–Lindau syndrome; VHL syndrome. Identifiers: Orphanet 892, MedGen C0019562, MONDO:0008667, OMIM 193300. Disease mechanism: loss of function.
Chuvash polycythemia. Also called: POLYCYTHEMIA, VHL-DEPENDENT. Identifiers: Orphanet 238557, MedGen C1837915, MONDO:0009892, OMIM 263400.

Submission:

Labcorp Genetics (formerly Invitae), Labcorp
Classification: Uncertain significance for Von Hippel-Lindau syndrome; Chuvash polycythemia. Last evaluated: 2020-01-14. Review status: criteria provided, single submitter. Criteria: Invitae Variant Classification Sherloc (09022015). Collection method: clinical testing. Allele origin: germline.
Comment: Experimental studies and prediction algorithms are not available or were not evaluated, and the functional significance of this variant is currently unknown. This variant has not been reported in the literature in individuals with VHL-related conditions. The frequency data for this variant in the population databases is considered unreliable, as metrics indicate insufficient coverage at this position in the ExAC database. This sequence change falls in intron 1 of the VHL gene. It is not expected to change the encoded amino acid sequence of the VHL protein. However, this sequence change falls within a cryptic exon in the VHL gene, known as exon E1’, which is naturally expressed at low levels in several human tissues (PMID: 29891534). In summary, the available evidence is currently insufficient to determine the role of this variant in disease. Therefore, it has been classified as a Variant of Uncertain Significance.

Literature cited by the submitters: PubMed 29891534.

NM_000551.4(VHL):c.340+722T>C

Genes: VHL (von Hippel-Lindau tumor suppressor; plus strand), LOC107303340 (3p25 von Hippel-Lindau tumor suppressor, E3 ubiquitin protein ligase Alu-mediated recombination region; plus strand). Cytogenetic location: 3p25.3.
Variant type: single nucleotide variant.
Coding change: c.340+722T>C on transcript NM_000551.4 (MANE Select); 722 bases into the intron after coding-DNA position 340, T replaced by C.
Molecular consequence: intron variant. On other transcripts: synonymous variant (1).
Genome position (GRCh38, 1-based): chr3:10,142,909, T>C. VCF-style: chr3-10142909-T-C. GRCh37 (hg19) VCF-style: chr3-10184593-T-C.
Other names: c.487T>C, p.Leu163= (NM_001354723.2); c.340+722T>C (NM_198156.3).
Identifiers: ClinVar variation 1039550 (VCV001039550.11), dbSNP rs1696162133, ClinGen allele CA1345067407.